The following is an entry in ClinVar:

NM_003331.5(TYK2):c.2099G>A (p.Arg700Gln)

Gene: TYK2 (tyrosine kinase 2; minus strand). Cytogenetic location: 19p13.2.
Variant type: single nucleotide variant.
Coding change: c.2099G>A on transcript NM_003331.5 (MANE Select); coding-DNA position 2099, G replaced by A.
Protein change: p.Arg700Gln; replaces arginine 700 with glutamine.
Molecular consequence: missense variant.
Genome position (GRCh38, 1-based): chr19:10,359,251, C>T on the plus strand (G>A on the coding strand, the complement: TYK2 is on the minus strand). VCF-style: chr19-10359251-C-T. GRCh37 (hg19) VCF-style: chr19-10469927-C-T.
Other names: c.2099G>A, p.Arg700Gln (NM_001385197.1, NM_001385198.1, NM_001385200.1 and 2 more transcripts); c.1913G>A, p.Arg638Gln (NM_001385199.1); c.1901G>A, p.Arg634Gln (NM_001385201.1); c.2015G>A, p.Arg672Gln (NM_001385202.1); c.2009G>A, p.Arg670Gln (NM_001385205.1); c.1973G>A, p.Arg658Gln (NM_001385206.1); c.2081G>A, p.Arg694Gln (NM_001385207.1); short protein forms R634Q, R638Q, R658Q, R670Q, R672Q, R694Q, R700Q.
Identifiers: ClinVar variation 1054606 (VCV001054606.9), dbSNP rs149540700, ClinGen allele CA9193181.

ClinVar aggregate classification (germline): Uncertain significance. Review status: criteria provided, multiple submitters, no conflicts (2 of 4 stars). 2 submissions from 2 submitters: Uncertain significance (2). Last evaluated 2024-09-30.

Conditions:
Immunodeficiency 35 (IMD35). Also called: HIES WITH ATYPICAL MYCOBACTERIOSIS, AUTOSOMAL RECESSIVE; Susceptibility to infection due to TYK2 deficiency; HYPER-IgE SYNDROME WITH ATYPICAL MYCOBACTERIOSIS, AUTOSOMAL RECESSIVE; TYK2 DEFICIENCY. Identifiers: Orphanet 331226, MedGen C1969086, MONDO:0012682, OMIM 611521.

Allele frequency attached by ClinVar (database versions not stated): ExAC 0.00001; gnomAD exomes 0.00002; TOPMed 0.00003; gnomAD 0.00004 and 0.00005; ESP Exome Variant Server 0.00008.
gnomAD v4.1: 72 of 1,611,522 alleles (0.0045%); highest among the groups gnomAD compares: Non-Finnish European, 0.0057%; no homozygotes.

Submissions (2):

Labcorp Genetics (formerly Invitae), Labcorp
Classification: Uncertain significance for Immunodeficiency 35. Last evaluated: 2024-09-30. Review status: criteria provided, single submitter. Criteria: Invitae Variant Classification Sherloc (09022015). Collection method: clinical testing. Allele origin: germline.
Comment: This sequence change replaces arginine, which is basic and polar, with glutamine, which is neutral and polar, at codon 700 of the TYK2 protein (p.Arg700Gln). This variant is present in population databases (rs149540700, gnomAD 0.007%). This variant has not been reported in the literature in individuals affected with TYK2-related conditions. ClinVar contains an entry for this variant (Variation ID: 1054606). Invitae Evidence Modeling of protein sequence and biophysical properties (such as structural, functional, and spatial information, amino acid conservation, physicochemical variation, residue mobility, and thermodynamic stability) indicates that this missense variant is not expected to disrupt TYK2 protein function with a negative predictive value of 80%. In summary, the available evidence is currently insufficient to determine the role of this variant in disease. Therefore, it has been classified as a Variant of Uncertain Significance.

GeneDx
Classification: Uncertain significance. Last evaluated: 2019-10-28. Review status: criteria provided, single submitter. Criteria: GeneDx Variant Classification Process June 2021. Collection method: clinical testing. Allele origin: germline. Affected: yes.
Comment: In silico analysis, which includes protein predictors and evolutionary conservation, supports that this variant does not alter protein structure/function; Has not been previously published as pathogenic or benign to our knowledge